The following is an entry in ClinVar:

NM_001165963.4(SCN1A):c.602+3A>C

Gene: SCN1A (sodium voltage-gated channel alpha subunit 1; minus strand). Cytogenetic location: 2q24.3.
Variant type: single nucleotide variant.
Coding change: c.602+3A>C on transcript NM_001165963.4 (MANE Select); 3 bases into the intron after coding-DNA position 602, A replaced by C.
Molecular consequence: intron variant.
Genome position (GRCh38, 1-based): chr2:166,054,635, T>G on the plus strand (A>C on the coding strand, the complement: SCN1A is on the minus strand). VCF-style: chr2-166054635-T-G. GRCh37 (hg19) VCF-style: chr2-166911145-T-G.
Other names: c.602+3A>C (NM_001353949.2, NM_001353958.2, NM_001353950.2 and 10 more transcripts); c.-1824+3A>C (NM_001353961.2).
Identifiers: ClinVar variation 190004 (VCV000190004.1), dbSNP rs794726833, ClinGen allele CA303526.

ClinVar aggregate classification (germline): Pathogenic (1 of 4 stars; one submission).

Conditions:
Severe myoclonic epilepsy in infancy (DRVT). Also called: Epileptic encephalopathy, early infantile, 6 (Dravet syndrome); SEVERE MYOCLONIC EPILEPSY OF INFANCY; DEVELOPMENTAL AND EPILEPTIC ENCEPHALOPATHY 6A; Severe Myoclonic Epilepsy in Infancy (SMEI); Dravet syndrome. Identifiers: Orphanet 33069, MedGen C0751122, MONDO:0100135, OMIM 607208.

Submission:

Center for Bioinformatics, Peking University
Classification: Pathogenic for Dravet syndrome. Last evaluated: 2014-12-20. Review status: criteria provided, single submitter. Criteria: Xu et al. (Hum Mutat. 2015). Collection method: research. Allele origin: de novo. Affected: yes. Observed: 1 variant allele. Study: University Clinical Cooperation “985 Project” PKU-2014-1-1.
Comment: Dravet syndrome (DS) probands were recruited from the outpatient and inpatient child neurology units of Peking University First Hospital from 2005 till present. The study was approved by the Ethics Committee of Peking University First Hospital and the Institutional Review Board at Peking University. Participants or their parents provided written informed consent before enrollment. We collected a total of 267 mutations from 255 families with probands diagnosed with DS in China. All probands fulfilled the clinical diagnostic criteria.